The following is an entry in ClinVar:

NM_000051.4(ATM):c.3475del (p.Ala1159fs)

Gene: ATM (ATM serine/threonine kinase; plus strand). Cytogenetic location: 11q22.3.
Variant type: Deletion.
Coding change: c.3475del on transcript NM_000051.4 (MANE Select); coding-DNA position 3475, one base deleted (G; older notation c.3475delG).
Protein change: p.Ala1159fs; shifts the reading frame from alanine 1159.
Molecular consequence: frameshift variant.
Genome position (GRCh38, 1-based): chr11:108,281,067, G deleted. VCF-style (leftmost placement, unchanged base first): chr11-108281066-AG-A. GRCh37 (hg19) VCF-style: chr11-108151793-AG-A.
Other names: c.3475del, p.Ala1159fs (NM_001351834.2); short protein forms A1159fs.
Identifiers: ClinVar variation 2774550 (VCV002774550.3), dbSNP rs775160037, ClinGen allele CA6265296.

ClinVar aggregate classification (germline): Pathogenic. Review status: criteria provided, multiple submitters, no conflicts (2 of 4 stars). 2 submissions from 2 submitters: Pathogenic (2). Last evaluated 2024-01-22.

Conditions:
Familial cancer of breast. Also called: Hereditary breast cancer; BREAST CANCER, FAMILIAL; hereditary breast carcinoma. Identifiers: Orphanet 227535, MedGen C0346153, MONDO:0016419, OMIM 114480. Disease mechanism: loss of function.
Hereditary cancer-predisposing syndrome. Also called: Neoplastic Syndromes, Hereditary; Tumor predisposition; Hereditary Cancer Syndrome; Hereditary neoplastic syndrome. Identifiers: Orphanet 140162, MedGen C0027672, MeSH D009386, MONDO:0015356.

Allele frequency attached by ClinVar (database versions not stated): gnomAD exomes below 0.00001; ExAC 0.00001.

Submissions (2):

Myriad Genetics, Inc.
Classification: Pathogenic for Familial cancer of breast. Last evaluated: 2024-01-22. Review status: criteria provided, single submitter. Criteria: Myriad Autosomal Dominant, Autosomal Recessive and X-Linked Classification Criteria (2023). Collection method: clinical testing. Allele origin: unknown.
Comment: This variant is considered pathogenic. This variant creates a frameshift predicted to result in premature protein truncation.

Color Diagnostics, LLC DBA Color Health
Classification: Pathogenic for Hereditary cancer-predisposing syndrome. Last evaluated: 2022-08-01. Review status: criteria provided, single submitter. Criteria: ACMG Guidelines, 2015. Collection method: clinical testing. Allele origin: germline.
Comment: This variant deletes 1 nucleotide in exon 24 of the ATM gene, creating a frameshift and premature translation stop signal. This variant is expected to result in an absent or non-functional protein product. This variant has been reported in an individual affected with early onset breast cancer in the literature (PMID: 34917121). This variant has been identified in 1/251348 chromosomes in the general population by the Genome Aggregation Database (gnomAD). Loss of ATM function is a known mechanism of disease. Based on the available evidence, this variant is classified as Pathogenic.

Literature cited by the submitters: PubMed 34917121 (cited by Color Diagnostics, LLC DBA Color Health).